The following is an entry in ClinVar:

NM_031934.6(RAB34):c.691C>T (p.Arg231Ter)

Gene: RAB34 (RAB34, member RAS oncogene family; minus strand). Cytogenetic location: 17q11.2.
Variant type: single nucleotide variant.
Coding change: c.691C>T on transcript NM_031934.6 (MANE Select); coding-DNA position 691, C replaced by T.
Protein change: p.Arg231Ter; replaces arginine 231 with a stop codon.
Molecular consequence: nonsense. On other transcripts: 3 prime UTR variant (1), intron variant (1).
Genome position (GRCh38, 1-based): chr17:28,714,814, G>A on the plus strand (C>T on the coding strand, the complement: RAB34 is on the minus strand). VCF-style: chr17-28714814-G-A. GRCh37 (hg19) VCF-style: chr17-27041832-G-A.
Other names: c.691C>T, p.Arg231Ter (NM_001136045.1, NM_001256277.2, NM_001256278.1); c.838C>T, p.Arg280Ter (NM_001142624.2); c.667C>T, p.Arg223Ter (NM_001144942.2); c.862C>T, p.Arg288Ter (NM_001144943.1); c.625C>T, p.Arg209Ter (NM_001256276.2); c.*539C>T (NM_001256281.3); c.748-183C>T (NM_001142625.2); short protein forms R209*, R223*, R231*, R280*, R288*.
Identifiers: ClinVar variation 2506967 (VCV002506967.3), dbSNP rs757465924, ClinGen allele CA8465946.
Genomic context (GRCh38, chr17:28,714,814, plus strand): 5'-ACTGTGCCCTCTGCCACCCTCAACCAGGCAAGCACTCACGGACAACATCCCCAATGCGTC[G>A]AGCCCCCGATTTCTCCAGCTCAGCCAGCACATTGGCCTCAAAGGTCAGTGCTGCCACACG-3'

ClinVar aggregate classification (germline): Likely pathogenic. Review status: criteria provided, single submitter (1 of 4 stars). 2 submissions from 2 submitters: Likely pathogenic (1). 1 of the submissions does not count toward it. Last evaluated 2023-06-27.

Conditions:
Jeune thoracic dystrophy. Also called: Short-rib thoracic dysplasia; Jeune syndrome; Infantile thoracic dystrophy; Thoracic pelvic phalangeal dystrophy; Jeune's syndrome; Chondroectodermal dysplasia-like syndrome. Identifiers: Orphanet 474, MedGen C0265275, MONDO:0018770.
Orofaciodigital syndrome 20. Also called: Orofaciodigital syndrome XX. Identifiers: MedGen C5935578, MONDO:0958230, OMIM 620718.

gnomAD v4.1: 27 of 1,613,986 alleles (0.0017%); highest among the groups gnomAD compares: East Asian, 0.025%; no homozygotes.

Submissions (2):

Rare Disease Group, Clinical Genetics, Karolinska Institutet
Classification: Likely pathogenic for Jeune thoracic dystrophy. Last evaluated: 2023-06-27. Review status: criteria provided, single submitter. Criteria: ACMG Guidelines, 2015. Collection method: research. Allele origin: paternal. Affected: yes.
Comment: The p.(Arg223*) variant in the RAB34 gene is seen in compound heterozygosity with a missense variant, p.(Ile85Thr). The Rab34 gene have been studied in knockout mice, reported to have a short rib thoracic dysplasia phenotype, polydactyly and cleft lip palate (PMID: 30301781), malformations that are consistent with those found in the affected fetus. Studies of mice and cells show that Rab34 is required for formation of the ciliary vesicle and is important for ciliogenesis (PMID: 30301781, PMID: 33989524 and PMID: 33989527). In summary, the p.Arg223* variant meets our critera to be classified as likely pathogenic (based upon loss-of-fucntion (PVS1, moderate), absence from controls (PM2), compound heterozygosity (PM3, supporting) and functional studies (PS3, supporting)).

OMIM
Classification: Pathogenic for OROFACIODIGITAL SYNDROME XX. Last evaluated: 2024-02-14. Review status: no assertion criteria provided. Collection method: literature only. Allele origin: germline. Not counted in ClinVar's aggregate classification.

Literature cited by the submitters: PubMed 37619988 (cited by OMIM).